The following is an entry in ClinVar:

ClinVar aggregate classification (germline): Pathogenic (1 of 4 stars; one submission).

Conditions:
Early-infantile DEE. Also called: Ohtahara syndrome; Early infantile epileptic encephalopathy with suppression bursts; Early infantile epileptic encephalopathy. Identifiers: Orphanet 1934, MedGen C0393706, MONDO:0800491.

Submission:

Labcorp Genetics (formerly Invitae), Labcorp
Classification: Pathogenic for Early-infantile DEE. Last evaluated: 2019-12-20. Review status: criteria provided, single submitter. Criteria: Invitae Variant Classification Sherloc (09022015). Collection method: clinical testing. Allele origin: germline.
Comment: For these reasons, this variant has been classified as Pathogenic. Algorithms developed to predict the effect of missense changes on protein structure and function (SIFT, PolyPhen-2, Align-GVGD) all suggest that this variant is likely to be disruptive, but these predictions have not been confirmed by published functional studies and their clinical significance is uncertain. This variant has been observed in individual(s) with clinical features of early-onset epileptic encephalopathy (PMID: 28133863, Invitae). In at least one individual the variant was observed to be de novo. This variant is not present in population databases (ExAC no frequency). This sequence change replaces serine with proline at codon 223 of the KCNQ2 protein (p.Ser223Pro). The serine residue is highly conserved and there is a moderate physicochemical difference between serine and proline.

Literature cited by the submitters: PubMed 28133863.

NM_172107.4(KCNQ2):c.667T>C (p.Ser223Pro)

Gene: KCNQ2 (potassium voltage-gated channel subfamily Q member 2; minus strand). Cytogenetic location: 20q13.33.
Variant type: single nucleotide variant.
Coding change: c.667T>C on transcript NM_172107.4 (MANE Select); coding-DNA position 667, T replaced by C.
Protein change: p.Ser223Pro; replaces serine 223 with proline.
Molecular consequence: missense variant.
Genome position (GRCh38, 1-based): chr20:63,444,682, A>G on the plus strand (T>C on the coding strand, the complement: KCNQ2 is on the minus strand). VCF-style: chr20-63444682-A-G. GRCh37 (hg19) VCF-style: chr20-62076035-A-G.
Other names: c.667T>C, p.Ser223Pro (NM_004518.6, NM_172106.3, NM_172108.5 and 1 more transcripts); short protein forms S223P.
Identifiers: ClinVar variation 841056 (VCV000841056.10), dbSNP rs2081358991, ClinGen allele CA409654686.
Genomic context (GRCh38, chr20:63,444,682, plus strand): 5'-GGGGGCGCCCACCGCCAGCCTTGGGGCCGTGACTCACCTTGCTGTGGGCATAGACCACAG[A>G]GCCCAGCAGCTTCCAGGTGCCTCCCCGCCGGTCCATGCGGATCATCCGCAGAATCTGCAG-3'
Protein context (NP_742105.1, residues 213-233): RRGGTWKLLG[Ser223Pro]VVYAHSKELV